The following is an entry in ClinVar:

ClinVar aggregate classification (germline): Benign/Likely benign. Review status: criteria provided, multiple submitters, no conflicts (2 of 4 stars). 5 submissions from 5 submitters: Benign (4); Likely benign (1). Last evaluated 2026-02-04.

Conditions:
Multiple congenital anomalies-hypotonia-seizures syndrome 1 (MCAHS1). Also called: GLYCOSYLPHOSPHATIDYLINOSITOL BIOSYNTHESIS DEFECT 3; PIGN-CDG; Congenital disorder of glycosylation due to PIGN deficiency. Identifiers: Orphanet 280633, MedGen C3279775, MONDO:0013563, OMIM 614080.
Inborn genetic diseases. Identifiers: MedGen C0950123, MeSH D030342.

Submissions (5):

Labcorp Genetics (formerly Invitae), Labcorp
Classification: Benign for Multiple congenital anomalies-hypotonia-seizures syndrome 1. Last evaluated: 2026-02-04. Review status: criteria provided, single submitter. Criteria: Invitae Variant Classification Sherloc (09022015). Collection method: clinical testing. Allele origin: germline.

Blueprint Genetics
Classification: Benign. Last evaluated: 2024-11-28. Review status: criteria provided, single submitter. Criteria: ACMG Guidelines, 2015. Collection method: clinical testing. Allele origin: germline.

Mayo Clinic Laboratories, Mayo Clinic
Classification: Benign. Last evaluated: 2024-11-04. Review status: criteria provided, single submitter. Criteria: ACMG Guidelines, 2015. Collection method: clinical testing. Allele origin: germline. Observed: 133 variant alleles.

GeneDx
Classification: Benign. Last evaluated: 2018-06-14. Review status: criteria provided, single submitter. Criteria: GeneDx Variant Classification (06012015). Collection method: clinical testing. Allele origin: germline. Affected: yes.
Comment: This variant is considered likely benign or benign based on one or more of the following criteria: it is a conservative change, it occurs at a poorly conserved position in the protein, it is predicted to be benign by multiple in silico algorithms, and/or has population frequency not consistent with disease.

Ambry Genetics
Classification: Likely benign for Inborn genetic diseases. Last evaluated: 2018-04-03. Review status: criteria provided, single submitter. Criteria: Ambry General Variant Classification Scheme_2022. Collection method: clinical testing. Allele origin: germline. Observed: 1 variant allele.

NM_176787.5(PIGN):c.2620-17dup

Gene: PIGN (phosphatidylinositol glycan anchor biosynthesis class N; minus strand). Cytogenetic location: 18q21.33.
Variant type: Duplication.
Coding change: c.2620-17dup on transcript NM_176787.5 (MANE Select); 17 bases into the intron before coding-DNA position 2620, one base duplicated (T; older notation c.2620-17dupT).
Molecular consequence: intron variant.
Genome position (GRCh38, 1-based): chr18:62,072,730, A duplicated on the plus strand (T on the coding strand, the reverse complement: PIGN is on the minus strand); the first of 13 consecutive A bases (chr18:62,072,730-62,072,742); duplicating any one gives the same sequence. VCF-style (leftmost placement, unchanged base first): chr18-62072729-T-TA. GRCh37 (hg19) VCF-style: chr18-59739962-T-TA.
Other names: p.?; c.2620-5dup (NM_176787.5); c.2620-17dup (NM_012327.6).
Identifiers: ClinVar variation 587858 (VCV000587858.15), dbSNP rs11437076, ClinGen allele CA8981913.
Genomic context (GRCh38, chr18:62,072,729, plus strand): 5'-ATACCTTGTCCCAATATCAAGCCAGCTGCCATAATCCTTGACCAAGAAGAAAAAATGCTG[T>TA]AAAAAAAAAAAAAGGCTTAATGAAAAACAAAGCTATTTAGATTCAGTCTAAAAACAAAGC-3'